The following is an entry in ClinVar:

ClinVar aggregate classification (germline): Uncertain significance. Review status: criteria provided, multiple submitters, no conflicts (2 of 4 stars). 3 submissions from 3 submitters: Uncertain significance (3). Last evaluated 2025-12-03.

Conditions:
CK syndrome. Also called: MENTAL RETARDATION, X-LINKED, WITH THIN BODY HABITUS AND CORTICAL MALFORMATION. Identifiers: Orphanet 251383, MedGen C3151781, MONDO:0010441, OMIM 300831.
Child syndrome. Also called: CHILD (Congenital Hemidysplasia with Ichthyosiform Nevus and Limb Defects) Syndrome. Identifiers: Orphanet 139, MedGen C0265267, MONDO:0010621, OMIM 308050.

Allele frequency attached by ClinVar (database versions not stated): gnomAD exomes 0.00001 and 0.00002; ExAC 0.00002.

Submissions (3):

Labcorp Genetics (formerly Invitae), Labcorp
Classification: Uncertain significance. Last evaluated: 2025-12-03. Review status: criteria provided, single submitter. Criteria: Invitae Variant Classification Sherloc (09022015). Collection method: clinical testing. Allele origin: germline.
Comment: This sequence change replaces arginine, which is basic and polar, with glutamine, which is neutral and polar, at codon 88 of the NSDHL protein (p.Arg88Gln). This variant is present in population databases (rs781879080, gnomAD 0.005%). This missense change has been observed in individual(s) with non-syndromic intellectual disability (PMID: 33739554). ClinVar contains an entry for this variant (Variation ID: 1311669). An algorithm developed to predict the effect of missense changes on protein structure and function outputs the following: PolyPhen-2: "Benign". The glutamine amino acid residue is found in multiple mammalian species, which suggests that this missense change does not adversely affect protein function. In summary, the available evidence is currently insufficient to determine the role of this variant in disease. Therefore, it has been classified as a Variant of Uncertain Significance.

Fulgent Genetics
Classification: Uncertain significance for CK syndrome; Child syndrome. Last evaluated: 2021-12-10. Review status: criteria provided, single submitter. Criteria: ACMG Guidelines, 2015. Collection method: clinical testing. Allele origin: unknown.

GeneDx
Classification: Uncertain significance. Last evaluated: 2019-12-30. Review status: criteria provided, single submitter. Criteria: GeneDx Variant Classification Process June 2021. Collection method: clinical testing. Allele origin: germline. Affected: yes.
Comment: In silico analysis, which includes protein predictors and evolutionary conservation, supports that this variant does not alter protein structure/function; Has not been previously published as pathogenic or benign to our knowledge

Literature cited by the submitters: PubMed 33739554 (cited by Labcorp Genetics (formerly Invitae), Labcorp).

NM_015922.3(NSDHL):c.263G>A (p.Arg88Gln)

Gene: NSDHL (NAD(P) dependent 3-beta-hydroxysteroid dehydrogenase NSDHL; plus strand). Cytogenetic location: Xq28.
Variant type: single nucleotide variant.
Coding change: c.263G>A on transcript NM_015922.3 (MANE Select); coding-DNA position 263, G replaced by A.
Protein change: p.Arg88Gln; replaces arginine 88 with glutamine.
Molecular consequence: missense variant.
Genome position (GRCh38, 1-based): chrX:152,850,419, G>A. VCF-style: chrX-152850419-G-A. GRCh37 (hg19) VCF-style: chrX-152018963-G-A.
Other names: c.263G>A, p.Arg88Gln (NM_001129765.2); short protein forms R88Q.
Identifiers: ClinVar variation 1311669 (VCV001311669.4), dbSNP rs781879080, ClinGen allele CA10544734.